The following is an entry in ClinVar:

NM_024665.7(TBL1XR1):c.818A>G (p.Lys273Arg)

Genes: TBL1XR1 (TBL1X/Y related 1; minus strand), TBL1XR1-AS1 (TBL1XR1 antisense RNA 1; plus strand). Cytogenetic location: 3q26.32.
Variant type: single nucleotide variant.
Coding change: c.818A>G on transcript NM_024665.7 (MANE Select); coding-DNA position 818, A replaced by G.
Protein change: p.Lys273Arg; replaces lysine 273 with arginine.
Molecular consequence: missense variant.
Genome position (GRCh38, 1-based): chr3:177,047,346, T>C on the plus strand (A>G on the coding strand, the complement: TBL1XR1 is on the minus strand). VCF-style: chr3-177047346-T-C. GRCh37 (hg19) VCF-style: chr3-176765134-T-C.
Other names: c.818A>G, p.Lys273Arg (NM_001321193.3, NM_001321194.3, NM_001374327.1 and 2 more transcripts); c.557A>G, p.Lys186Arg (NM_001321195.3, NM_001374330.1); short protein forms K186R, K273R.
Identifiers: ClinVar variation 2105770 (VCV002105770.4), dbSNP rs2473700791, ClinGen allele CA355552088.

ClinVar aggregate classification (germline): Uncertain significance (1 of 4 stars; one submission).

Conditions:
Pierpont syndrome (PRPTS). Identifiers: Orphanet 487825, MedGen C1865644, MONDO:0011213, OMIM 602342.

Submission:

Labcorp Genetics (formerly Invitae), Labcorp
Classification: Uncertain significance for Pierpont syndrome. Last evaluated: 2024-12-02. Review status: criteria provided, single submitter. Criteria: Invitae Variant Classification Sherloc (09022015). Collection method: clinical testing. Allele origin: germline.
Comment: This sequence change replaces lysine, which is basic and polar, with arginine, which is basic and polar, at codon 273 of the TBL1XR1 protein (p.Lys273Arg). This variant is not present in population databases (gnomAD no frequency). This variant has not been reported in the literature in individuals affected with TBL1XR1-related conditions. ClinVar contains an entry for this variant (Variation ID: 2105770). An algorithm developed to predict the effect of missense changes on protein structure and function (PolyPhen-2) suggests that this variant is likely to be disruptive. In summary, the available evidence is currently insufficient to determine the role of this variant in disease. Therefore, it has been classified as a Variant of Uncertain Significance.